The following is an entry in ClinVar:

ClinVar aggregate classification (germline): Uncertain significance. Review status: criteria provided, multiple submitters, no conflicts (2 of 4 stars). 2 submissions from 2 submitters: Uncertain significance (2). Last evaluated 2025-01-27.

Conditions:
Familial hypocalciuric hypercalcemia (FHH). Also called: Familial benign hypercalcemia. Identifiers: Orphanet 405, MedGen C1809471, MONDO:0018458.
Autosomal dominant hypocalcemia 1 (HYPOC1). Also called: HYPOCALCEMIA, FAMILIAL. Identifiers: MedGen C3715128, MONDO:0011013, OMIM 601198.
Nephrolithiasis/nephrocalcinosis. Identifiers: MedGen CN580796.

Allele frequency attached by ClinVar (database versions not stated): gnomAD exomes 0.00001; TOPMed 0.00001; gnomAD 0.00003.

Submissions (2):

Labcorp Genetics (formerly Invitae), Labcorp
Classification: Uncertain significance for Familial hypocalciuric hypercalcemia; Autosomal dominant hypocalcemia 1. Last evaluated: 2025-01-27. Review status: criteria provided, single submitter. Criteria: Invitae Variant Classification Sherloc (09022015). Collection method: clinical testing. Allele origin: germline.
Comment: This sequence change replaces threonine, which is neutral and polar, with methionine, which is neutral and non-polar, at codon 906 of the CASR protein (p.Thr906Met). This variant is present in population databases (rs200357435, gnomAD 0.01%). This variant has not been reported in the literature in individuals affected with CASR-related conditions. ClinVar contains an entry for this variant (Variation ID: 575067). An algorithm developed to predict the effect of missense changes on protein structure and function (PolyPhen-2) suggests that this variant is likely to be disruptive. In summary, the available evidence is currently insufficient to determine the role of this variant in disease. Therefore, it has been classified as a Variant of Uncertain Significance.

Ambry Genetics
Classification: Uncertain significance for Nephrolithiasis/nephrocalcinosis. Last evaluated: 2021-10-20. Review status: criteria provided, single submitter. Criteria: Ambry Variant Classification Scheme 2023. Collection method: clinical testing. Allele origin: germline.
Comment: The p.T906M variant (also known as c.2717C>T), located in coding exon 6 of the CASR gene, results from a C to T substitution at nucleotide position 2717. The threonine at codon 906 is replaced by methionine, an amino acid with similar properties. This amino acid position is not well conserved in available vertebrate species. In addition, this alteration is predicted to be tolerated by in silico analysis. Since supporting evidence is limited at this time, the clinical significance of this alteration remains unclear.

NM_000388.4(CASR):c.2717C>T (p.Thr906Met)

Gene: CASR (calcium sensing receptor; plus strand). Cytogenetic location: 3q21.1.
Variant type: single nucleotide variant.
Coding change: c.2717C>T on transcript NM_000388.4 (MANE Select); coding-DNA position 2717, C replaced by T.
Protein change: p.Thr906Met; replaces threonine 906 with methionine.
Molecular consequence: missense variant.
Genome position (GRCh38, 1-based): chr3:122,284,671, C>T. VCF-style: chr3-122284671-C-T. GRCh37 (hg19) VCF-style: chr3-122003518-C-T.
Other names: c.2747C>T, p.Thr916Met (NM_001178065.2); short protein forms T906M, T916M.
Identifiers: ClinVar variation 575067 (VCV000575067.10), dbSNP rs200357435, ClinGen allele CA82749186.